The following is an entry in ClinVar:

ClinVar aggregate classification (germline): Uncertain significance (1 of 4 stars; one submission).

Conditions:
Hereditary nonpolyposis colorectal neoplasms. Identifiers: MedGen C0009405, MeSH D003123.

Submission:

Labcorp Genetics (formerly Invitae), Labcorp
Classification: Uncertain significance for Hereditary nonpolyposis colorectal neoplasms. Last evaluated: 2022-10-25. Review status: criteria provided, single submitter. Criteria: Invitae Variant Classification Sherloc (09022015). Collection method: clinical testing. Allele origin: germline.
Comment: This sequence change falls in intron 8 of the PMS2 gene. It does not directly change the encoded amino acid sequence of the PMS2 protein. Information on the frequency of this variant in the gnomAD database is not available, as this variant may be reported differently in the database. This variant has not been reported in the literature in individuals affected with PMS2-related conditions. Experimental studies and prediction algorithms are not available or were not evaluated, and the effect of this variant on mRNA splicing is currently unknown. In summary, the available evidence is currently insufficient to determine the role of this variant in disease. Therefore, it has been classified as a Variant of Uncertain Significance.

NM_000535.7(PMS2):c.904-18_904-16delinsGAG

Gene: PMS2 (PMS1 homolog 2, mismatch repair system component; minus strand). Cytogenetic location: 7p22.1.
Variant type: Indel.
Coding change: c.904-18_904-16delinsGAG on transcript NM_000535.7 (MANE Select); 18 bases into the intron before coding-DNA position 904 through 16 bases into the intron before coding-DNA position 904, TCC replaced by GAG.
Molecular consequence: intron variant.
Genome position (GRCh38, 1-based): chr7:5,992,073-5,992,075, GGA replaced by CTC on the plus strand (TCC replaced by GAG on the coding strand, the reverse complement: PMS2 is on the minus strand). VCF-style: chr7-5992073-GGA-CTC. GRCh37 (hg19) VCF-style: chr7-6031704-GGA-CTC.
Other names: c.586-18_586-16delinsGAG (NM_001322008.2, NM_001322007.2); c.499-18_499-16delinsGAG (NM_001322010.2, NM_001322004.2, NM_001322003.2 and 2 more transcripts); c.331-18_331-16delinsGAG (NM_001322013.2); c.-30-18_-30-16delinsGAG (NM_001322012.2, NM_001322011.2); c.595-18_595-16delinsGAG (NM_001322015.2); c.904-18_904-16delinsGAG (NM_001322006.2, NM_001322014.2).
Identifiers: ClinVar variation 2036732 (VCV002036732.4), dbSNP rs2536019646, ClinGen allele CA2580076791.